The following is an entry in ClinVar:

ClinVar aggregate classification (germline): Likely benign (1 of 4 stars; one submission).

gnomAD v4.1: 143 of 1,613,550 alleles (0.0089%); highest among the groups gnomAD compares: Middle Eastern, 0.016%; no homozygotes.

Submission:

CeGaT Center for Human Genetics Tuebingen
Classification: Likely benign. Last evaluated: 2025-11-01. Review status: criteria provided, single submitter. Criteria: CeGaT Center For Human Genetics Tuebingen Variant Classification Criteria Version 2. Collection method: clinical testing. Allele origin: germline. Affected: yes. Observed: 1 variant allele.
Comment: CAMK2D: BP4, BP7

NM_001321571.2(CAMK2D):c.1527A>G (p.Val509=)

Gene: CAMK2D (calcium/calmodulin dependent protein kinase II delta; minus strand). Cytogenetic location: 4q26.
Variant type: single nucleotide variant.
Coding change: c.1527A>G on transcript NM_001321571.2 (MANE Select); coding-DNA position 1527, A replaced by G.
Protein change: p.Val509=; no amino-acid change (valine 509 retained).
Molecular consequence: synonymous variant.
Genome position (GRCh38, 1-based): chr4:113,457,343, T>C on the plus strand (A>G on the coding strand, the complement: CAMK2D is on the minus strand). VCF-style: chr4-113457343-T-C. GRCh37 (hg19) VCF-style: chr4-114378499-T-C.
Other names: c.1524A>G, p.Val508= (NM_001399856.1, NM_001321586.2, NM_001399855.1); c.1455A>G, p.Val485= (NM_001399857.1, NM_001396966.1); c.1425A>G, p.Val475= (NM_001399858.1, NM_172115.3, NM_172127.3 and 2 more transcripts); c.1308A>G, p.Val436= (NM_001399859.1, NM_001399860.1, NM_001399861.1); c.1305A>G, p.Val435= (NM_001399862.1); c.1140A>G, p.Val380= (NM_001399863.1); c.1035A>G, p.Val345= (NM_001399864.1); c.837A>G, p.Val279= (NM_001399865.1); and 9 more.
Identifiers: ClinVar variation 4534123 (VCV004534123.6).